The following is an entry in ClinVar:

ClinVar aggregate classification (germline): Pathogenic. Review status: criteria provided, single submitter (1 of 4 stars). 2 submissions from 2 submitters: Pathogenic (1). 1 of the submissions does not count toward it. Last evaluated 2024-05-20.

Conditions:
Pancreatic triacylglycerol lipase deficiency. Also called: LIPASE, CONGENITAL ABSENCE OF PANCREATIC; PL DEFICIENCY. Identifiers: Orphanet 309031, MedGen C3280527, MONDO:0013700, OMIM 614338.

Allele frequency attached by ClinVar (database versions not stated): TOPMed 0.00001.
gnomAD v4.1: 2 of 1,613,450 alleles (0.00012%); highest among the groups gnomAD compares: Admixed American, 0.0033%; no homozygotes.

Submissions (2):

Labcorp Genetics (formerly Invitae), Labcorp
Classification: Pathogenic. Last evaluated: 2024-05-20. Review status: criteria provided, single submitter. Criteria: Invitae Variant Classification Sherloc (09022015). Collection method: clinical testing. Allele origin: germline.
Comment: This sequence change creates a premature translational stop signal (p.Trp419*) in the PNLIP gene. It is expected to result in an absent or disrupted protein product. Loss-of-function variants in PNLIP are known to be pathogenic (PMID: 31977950, 35284057). This variant is present in population databases (no rsID available, gnomAD 0.003%). This premature translational stop signal has been observed in individual(s) with pancreatic lipase deficiency (PMID: 35284057). ClinVar contains an entry for this variant (Variation ID: 522506). Algorithms developed to predict the effect of sequence changes on RNA splicing suggest that this variant may disrupt the consensus splice site. For these reasons, this variant has been classified as Pathogenic.

Bioscientia Institut fuer Medizinische Diagnostik GmbH, Sonic Healthcare
Classification: Likely pathogenic for Pancreatic triacylglycerol lipase deficiency. Last evaluated: 2017-10-06. Review status: no assertion criteria provided. Collection method: clinical testing. Allele origin: germline. Affected: yes. Not counted in ClinVar's aggregate classification.

Literature cited by the submitters: PubMed 31977950 (cited by Labcorp Genetics (formerly Invitae), Labcorp); PubMed 35284057 (cited by Labcorp Genetics (formerly Invitae), Labcorp).

NM_000936.4(PNLIP):c.1257G>A (p.Trp419Ter)

Gene: PNLIP (pancreatic lipase; plus strand). Cytogenetic location: 10q25.3.
Variant type: single nucleotide variant.
Coding change: c.1257G>A on transcript NM_000936.4 (MANE Select); coding-DNA position 1257, G replaced by A.
Protein change: p.Trp419Ter; replaces tryptophan 419 with a stop codon.
Molecular consequence: nonsense.
Genome position (GRCh38, 1-based): chr10:116,561,559, G>A. VCF-style: chr10-116561559-G-A. GRCh37 (hg19) VCF-style: chr10-118321071-G-A.
Other names: short protein forms W419*.
Identifiers: ClinVar variation 522506 (VCV000522506.6), dbSNP rs765879360, ClinGen allele CA214648882.
Genomic context (GRCh38, chr10:116,561,559, plus strand): 5'-TTCCAATGAATTTGACTCAGATGTGGATGTTGGGGACTTGCAGATGGTTAAATTTATTTG[G>A]TATAACAATGTGATCAACCCAACTTTACCTAGAGTGGGAGCATCCAAGATTATAGTGGAG-3'